The following is an entry in ClinVar:

NC_000001.10:g.(?_243349541)_(243419562_?)dup

Genes: SDCCAG8 (SHH signaling and ciliogenesis regulator SDCCAG8; plus strand), CEP170 (centrosomal protein 170; minus strand). Cytogenetic location: 1q43.
Variant type: Duplication.
Identifiers: ClinVar variation 1411561 (VCV001411561.6).

ClinVar aggregate classification (germline): Uncertain significance (1 of 4 stars; one submission).

Conditions:
Senior-Loken syndrome 7 (SLSN7). Identifiers: Orphanet 3156, MedGen C3150877, MONDO:0013326, OMIM 613615.
Bardet-Biedl syndrome 16 (BBS16). Identifiers: Orphanet 110, MedGen C3889474, MONDO:0014444, OMIM 615993.

Submission:

Labcorp Genetics (formerly Invitae), Labcorp
Classification: Uncertain significance for Bardet-Biedl syndrome 16; Senior-Loken syndrome 7. Last evaluated: 2022-09-13. Review status: criteria provided, single submitter. Criteria: Invitae Variant Classification Sherloc (09022015). Collection method: clinical testing. Allele origin: germline.
Comment: In summary, the available evidence is currently insufficient to determine the role of this variant in disease. Therefore, it has been classified as a Variant of Uncertain Significance. Experimental studies and prediction algorithms are not available or were not evaluated, and the functional significance of this variant is currently unknown. This variant has not been reported in the literature in individuals affected with SDCCAG8-related conditions. This variant results in a copy number gain of the genomic region encompassing exon(s) 1 of the SDCCAG8 gene. This region includes the initiator codon of the gene. This copy number gain extends beyond the assayed region for this gene and therefore may encompass additional genes. As the precise location of this event is unknown, it may be in tandem or it may be located elsewhere in the genome.